The following is an entry in ClinVar:

ClinVar aggregate classification (germline): Benign (1 of 4 stars; one submission).

Submission:

CeGaT Center for Human Genetics Tuebingen
Classification: Benign. Last evaluated: 2024-04-01. Review status: criteria provided, single submitter. Criteria: CeGaT Center For Human Genetics Tuebingen Variant Classification Criteria Version 2. Collection method: clinical testing. Allele origin: germline. Affected: yes. Observed: 12 variant alleles.
Comment: APC: BS1, BS2

NM_000038.6(APC):c.1744-687_1744-686del

Gene: APC (APC regulator of Wnt signaling pathway; plus strand). Cytogenetic location: 5q22.2.
Variant type: Deletion.
Coding change: c.1744-687_1744-686del on transcript NM_000038.6 (MANE Select); 687 bases into the intron before coding-DNA position 1744 through 686 bases into the intron before coding-DNA position 1744, 2 bases deleted (AA; older notation c.1744-687_1744-686delAA).
Molecular consequence: intron variant.
Genome position (GRCh38, 1-based): chr5:112,834,264-112,834,265, AA deleted; deleting any 2 consecutive bases within chr5:112,834,261-112,834,265 gives the same sequence; the c. name uses the placement nearest the transcript's 3' end. VCF-style (leftmost placement, unchanged base first): chr5-112834260-TAA-T. GRCh37 (hg19) VCF-style: chr5-112169957-TAA-T.
Other names: c.1744-687_1744-686del (NM_001354895.2, NM_001127510.3); c.1774-687_1774-686del (NM_001354897.2); c.1471-687_1471-686del (NM_001354902.2); c.1690-687_1690-686del (NM_001127511.3); c.1669-687_1669-686del (NM_001354898.2); c.1366-687_1366-686del (NM_001354904.2); c.895-687_895-686del (NM_001354906.2); c.1798-687_1798-686del (NM_001354896.2); and 5 more.
Identifiers: ClinVar variation 1675989 (VCV001675989.33), dbSNP rs35769203, ClinGen allele CA124982023.